The following is an entry in ClinVar:

NM_014339.7(IL17RA):c.2087T>G (p.Leu696Arg)

Gene: IL17RA (interleukin 17 receptor A; plus strand). Cytogenetic location: 22q11.1.
Variant type: single nucleotide variant.
Coding change: c.2087T>G on transcript NM_014339.7 (MANE Select); coding-DNA position 2087, T replaced by G.
Protein change: p.Leu696Arg; replaces leucine 696 with arginine.
Molecular consequence: missense variant.
Genome position (GRCh38, 1-based): chr22:17,109,306, T>G. VCF-style: chr22-17109306-T-G. GRCh37 (hg19) VCF-style: chr22-17590196-T-G.
Other names: c.2087T>G (NM_014339.5); c.1985T>G, p.Leu662Arg (NM_001289905.2); short protein forms L696R, L662R.
Identifiers: ClinVar variation 542914 (VCV000542914.7), dbSNP rs753376068, ClinGen allele CA10086901.

ClinVar aggregate classification (germline): Uncertain significance. Review status: criteria provided, multiple submitters, no conflicts (2 of 4 stars). 2 submissions from 2 submitters: Uncertain significance (2). Last evaluated 2025-08-07.

Conditions:
Immunodeficiency 51 (IMD51). Also called: CANDIDIASIS, FAMILIAL, 5. Identifiers: Orphanet 1334, MedGen C4310803, MONDO:0013500, OMIM 613953.

Allele frequency attached by ClinVar (database versions not stated): gnomAD exomes 0.00001; gnomAD 0.00008 and 0.00009; ExAC 0.00011; TOPMed 0.00011.
gnomAD v4.1: 18 of 1,531,468 alleles (0.0012%); highest among the groups gnomAD compares: African/African-American, 0.025%; no homozygotes.

Submissions (2):

Ambry Genetics
Classification: Uncertain significance. Last evaluated: 2025-08-07. Review status: criteria provided, single submitter. Criteria: Ambry Variant Classification Scheme 2023. Collection method: clinical testing. Allele origin: germline.

Labcorp Genetics (formerly Invitae), Labcorp
Classification: Uncertain significance for Immunodeficiency 51. Last evaluated: 2022-04-18. Review status: criteria provided, single submitter. Criteria: Invitae Variant Classification Sherloc (09022015). Collection method: clinical testing. Allele origin: germline.
Comment: This sequence change replaces leucine, which is neutral and non-polar, with arginine, which is basic and polar, at codon 696 of the IL17RA protein (p.Leu696Arg). This variant is present in population databases (rs753376068, gnomAD 0.03%). This variant has not been reported in the literature in individuals affected with IL17RA-related conditions. ClinVar contains an entry for this variant (Variation ID: 542914). Algorithms developed to predict the effect of missense changes on protein structure and function are either unavailable or do not agree on the potential impact of this missense change (SIFT: "Deleterious"; PolyPhen-2: "Possibly Damaging"; Align-GVGD: "Class C0"). In summary, the available evidence is currently insufficient to determine the role of this variant in disease. Therefore, it has been classified as a Variant of Uncertain Significance.